The following is an entry in ClinVar:

NM_000179.3(MSH6):c.2381C>G (p.Ala794Gly)

Gene: MSH6 (mutS homolog 6; plus strand). Cytogenetic location: 2p16.3.
Variant type: single nucleotide variant.
Coding change: c.2381C>G on transcript NM_000179.3 (MANE Select); coding-DNA position 2381, C replaced by G.
Protein change: p.Ala794Gly; replaces alanine 794 with glycine.
Molecular consequence: missense variant. On other transcripts: non-coding transcript variant (5), intron variant (3).
Genome position (GRCh38, 1-based): chr2:47,800,364, C>G. VCF-style: chr2-47800364-C-G. GRCh37 (hg19) VCF-style: chr2-48027503-C-G.
Other names: c.1991C>G, p.Ala664Gly (NM_001281492.2); c.1475C>G, p.Ala492Gly (NM_001281493.2, NM_001281494.2, NM_001406811.1 and 6 more transcripts); c.2477C>G, p.Ala826Gly (NM_001406795.1, NM_001406802.1); c.2381C>G, p.Ala794Gly (NM_001406796.1, NM_001406798.1, NM_001406800.1 and 2 more transcripts); c.2084C>G, p.Ala695Gly (NM_001406797.1, NM_001406801.1, NM_001406805.1 and 10 more transcripts); c.1856C>G, p.Ala619Gly (NM_001406799.1, NM_001406806.1, NM_001406807.1); c.2303C>G, p.Ala768Gly (NM_001406804.1); c.2387C>G, p.Ala796Gly (NM_001406813.1); and 4 more; short protein forms A492G, A619G, A664G, A695G, A738G, A768G, A794G, A796G.
Identifiers: ClinVar variation 3387064 (VCV003387064.2).
Genomic context (GRCh38, chr2:47,800,364, plus strand): 5'-TAAAGCAATGGCTTTGTGCCCCACTCTGTAACCATTATGCTATTAATGATCGTCTAGATG[C>G]CATAGAAGACCTCATGGTTGTGCCTGACAAAATCTCCGAAGTTGTAGAGCTTCTAAAGAA-3'
Protein context (NP_000170.1, residues 784-804): NHYAINDRLD[Ala794Gly]IEDLMVVPDK

ClinVar aggregate classification (germline): Uncertain significance. Review status: criteria provided, multiple submitters, no conflicts (2 of 4 stars). 2 submissions from 2 submitters: Uncertain significance (2). Last evaluated 2025-06-12.

Conditions:
Hereditary cancer-predisposing syndrome. Also called: Neoplastic Syndromes, Hereditary; Hereditary Cancer Syndrome; Tumor predisposition; Hereditary neoplastic syndrome. Identifiers: Orphanet 140162, MedGen C0027672, MeSH D009386, MONDO:0015356.
Lynch syndrome. Identifiers: Orphanet 144, MedGen C4552100, MONDO:0005835. Disease mechanism: loss of function.

gnomAD v4.1: 1 of 1,614,006 alleles (0.000062%); highest among the groups gnomAD compares: Non-Finnish European, 0.000085%; no homozygotes.

Submissions (2):

Ambry Genetics
Classification: Uncertain significance for Hereditary cancer-predisposing syndrome. Last evaluated: 2025-06-12. Review status: criteria provided, single submitter. Criteria: Ambry Variant Classification Scheme 2023. Collection method: clinical testing. Allele origin: germline.
Comment: The p.A794G variant (also known as c.2381C>G), located in coding exon 4 of the MSH6 gene, results from a C to G substitution at nucleotide position 2381. The alanine at codon 794 is replaced by glycine, an amino acid with similar properties. This amino acid position is conserved. In addition, this alteration is predicted to be deleterious by in silico analysis. Based on the available evidence, the clinical significance of this variant remains unclear.

All of Us Research Program, National Institutes of Health
Classification: Uncertain significance for Lynch syndrome. Last evaluated: 2024-04-16. Review status: criteria provided, single submitter. Criteria: ACMG Guidelines, 2015. Collection method: clinical testing. Allele origin: germline. Inheritance: Autosomal dominant inheritance. Observed: 1 variant allele, 1 heterozygote.
Comment: This missense variant replaces alanine with glycine at codon 794 of the MSH6 protein. Computational prediction suggests that this variant may have deleterious impact on protein structure and function (internally defined REVEL score threshold >= 0.7, PMID: 27666373). To our knowledge, functional studies have not been reported for this variant. This variant has not been reported in individuals affected with MSH6-related disorders in the literature. This variant has not been identified in the general population by the Genome Aggregation Database (gnomAD). The available evidence is insufficient to determine the role of this variant in disease conclusively. Therefore, this variant is classified as a Variant of Uncertain Significance.

This study involves interpretation of variants in research participants for the purpose of population health screening. Participant phenotype was not available at the time of variant classification. Additional details can be found in publication PMID: 35346344, PMCID: PMC8962531